The following is an entry in ClinVar:

ClinVar aggregate classification (germline): Uncertain significance. Review status: criteria provided, multiple submitters, no conflicts (2 of 4 stars). 2 submissions from 2 submitters: Uncertain significance (2). Last evaluated 2024-03-28.

Conditions:
Dilated cardiomyopathy 1O (CMD1O). Also called: CARDIOMYOPATHY, DILATED, WITH VENTRICULAR TACHYCARDIA. Identifiers: Orphanet 154, MedGen C1837839, MONDO:0012062, OMIM 608569.

Submissions (2):

Labcorp Genetics (formerly Invitae), Labcorp
Classification: Uncertain significance for Dilated cardiomyopathy 1O. Last evaluated: 2024-03-28. Review status: criteria provided, single submitter. Criteria: Invitae Variant Classification Sherloc (09022015). Collection method: clinical testing. Allele origin: germline.
Comment: This sequence change replaces methionine, which is neutral and non-polar, with valine, which is neutral and non-polar, at codon 722 of the ABCC9 protein (p.Met722Val). This variant is not present in population databases (gnomAD no frequency). This variant has not been reported in the literature in individuals affected with ABCC9-related conditions. ClinVar contains an entry for this variant (Variation ID: 2499207). Advanced modeling of protein sequence and biophysical properties (such as structural, functional, and spatial information, amino acid conservation, physicochemical variation, residue mobility, and thermodynamic stability) performed at Invitae indicates that this missense variant is expected to disrupt ABCC9 protein function with a positive predictive value of 95%. In summary, the available evidence is currently insufficient to determine the role of this variant in disease. Therefore, it has been classified as a Variant of Uncertain Significance.

GeneDx
Classification: Uncertain significance. Last evaluated: 2022-10-13. Review status: criteria provided, single submitter. Criteria: GeneDx Variant Classification Process June 2021. Collection method: clinical testing. Allele origin: germline. Affected: yes.
Comment: Not observed at significant frequency in large population cohorts (gnomAD); In silico analysis supports that this missense variant has a deleterious effect on protein structure/function; Has not been previously published as pathogenic or benign to our knowledge

NM_020297.4(ABCC9):c.2164A>G (p.Met722Val)

Gene: ABCC9 (ATP binding cassette subfamily C member 9; minus strand). Cytogenetic location: 12p12.1.
Variant type: single nucleotide variant.
Coding change: c.2164A>G on transcript NM_020297.4 (MANE Select); coding-DNA position 2164, A replaced by G.
Protein change: p.Met722Val; replaces methionine 722 with valine.
Molecular consequence: missense variant.
Genome position (GRCh38, 1-based): chr12:21,872,659, T>C on the plus strand (A>G on the coding strand, the complement: ABCC9 is on the minus strand). VCF-style: chr12-21872659-T-C. GRCh37 (hg19) VCF-style: chr12-22025593-T-C.
Other names: c.2164A>G, p.Met722Val (NM_001377273.1, NM_005691.4); c.1300A>G, p.Met434Val (NM_001377274.1); short protein forms M434V, M722V.
Identifiers: ClinVar variation 2499207 (VCV002499207.3), dbSNP rs2541325453, ClinGen allele CA384132550.
Genomic context (GRCh38, chr12:21,872,659, plus strand): 5'-TGGAAGCCAACTAAAAATATACATACTTGCTCCAGTGAACTTTTCCTTCCAATGTCTGCA[T>C]CTCACCGAGGATGGCAAGGAGAAGAGAGGACTTCCCACATCCTACTTGGCCCACAATCAT-3'
Protein context (NP_064693.2, residues 712-732): SSLLLAILGE[Met722Val]QTLEGKVHWS